The following is an entry in ClinVar:

NM_004463.3(FGD1):c.-4G>C

Gene: FGD1 (FYVE, RhoGEF and PH domain containing 1; minus strand). Cytogenetic location: Xp11.22.
Variant type: single nucleotide variant.
Coding change: c.-4G>C on transcript NM_004463.3 (MANE Select); 4 bases upstream of the start codon, G replaced by C.
Molecular consequence: 5 prime UTR variant.
Genome position (GRCh38, 1-based): chrX:54,495,436, C>G on the plus strand (G>C on the coding strand, the complement: FGD1 is on the minus strand). VCF-style: chrX-54495436-C-G. GRCh37 (hg19) VCF-style: chrX-54521869-C-G.
Identifiers: ClinVar variation 95077 (VCV000095077.18), dbSNP rs147035080, ClinGen allele CA148159.

ClinVar aggregate classification (germline): Benign/Likely benign. Review status: criteria provided, multiple submitters, no conflicts (2 of 4 stars). 7 submissions from 7 submitters: Benign (6); Likely benign (1). Last evaluated 2024-11-28.

Conditions:
Inborn genetic diseases. Identifiers: MedGen C0950123, MeSH D030342.

Allele frequency attached by ClinVar (database versions not stated): 1000 Genomes Project 0.03046; 1000 Genomes Project 30x 0.03642; TOPMed 0.04489; gnomAD 0.04998 and 0.05028; ExAC 0.05263; gnomAD exomes 0.08571 and 0.25438.

Submissions (7):

Blueprint Genetics
Classification: Likely benign. Last evaluated: 2024-11-28. Review status: criteria provided, single submitter. Criteria: ACMG Guidelines, 2015. Collection method: clinical testing. Allele origin: germline.

GeneDx
Classification: Benign. Last evaluated: 2021-05-04. Review status: criteria provided, single submitter. Criteria: GeneDx Variant Classification Process June 2021. Collection method: clinical testing. Allele origin: germline. Affected: yes.

Laboratory for Molecular Medicine, Mass General Brigham Personalized Medicine
Classification: Benign. Last evaluated: 2019-08-14. Review status: criteria provided, single submitter. Criteria: LMM Criteria. Collection method: clinical testing. Allele origin: germline. Observed: 3 variant alleles.
Comment: c.-4G>C in the 5'UTR of FGD1: This variant is is not expected to have clinical significance because it has been identified in 9.8% (2533/25820) of total chromosomes by the Genome Aggregation Database (gnomAD; dbSNP rs147035080). ACMG/AMP Criteria applied: BA1

Eurofins Ntd Llc (ga)
Classification: Benign. Last evaluated: 2018-04-17. Review status: criteria provided, single submitter. Criteria: EGL ClinVar v180209 classification definitions. Collection method: clinical testing. Allele origin: germline. Observed: 43 variant alleles, 12 heterozygotes, 1 homozygote, 30 hemizygotes.

Ambry Genetics
Classification: Benign for Inborn genetic diseases. Last evaluated: 2014-11-24. Review status: criteria provided, single submitter. Criteria: Ambry Variant Classification Scheme 2023. Collection method: clinical testing. Allele origin: germline.

Breakthrough Genomics
Classification: Benign. Review status: criteria provided, single submitter. Criteria: ACMG Guidelines, 2015. Collection method: not provided. Allele origin: germline. Inheritance: X-linked inheritance. Affected: yes.

PreventionGenetics, part of Exact Sciences
Classification: Benign. Review status: criteria provided, single submitter. Criteria: ACMG Guidelines, 2015. Collection method: clinical testing. Allele origin: germline.